The following is an entry in ClinVar:

ClinVar aggregate classification (germline): Conflicting classifications of pathogenicity. Review status: criteria provided, conflicting classifications (1 of 4 stars). 8 submissions from 7 submitters: Uncertain significance (6); Likely benign (2). Last evaluated 2025-12-24.

Conditions:
Hyperkalemic periodic paralysis. Also called: Familial hyperkalemic periodic paralysis; Gamstorp disease. Identifiers: Orphanet 682, MedGen C0238357, MONDO:0008224, OMIM 170500, HP:0007215.
Congenital myasthenic syndrome 16. Identifiers: Orphanet 590, MedGen C3280112, MONDO:0013620, OMIM 614198.
Paramyotonia congenita of Von Eulenburg. Also called: Myotonia congenita intermittens; Von Eulenburg paramyotonia congenita; Paramyotonia Congenita; PARALYSIS PERIODICA PARAMYOTONICA; Eulenburg disease. Identifiers: Orphanet 684, MedGen C0221055, MONDO:0008195, OMIM 168300. Disease mechanism: loss of function.
Congenital myopathy 22A, classic (CMYO22A). Identifiers: MedGen C5830453, MONDO:0957247, OMIM 620351.
Congenital myopathy 22B, severe fetal (CMYO22B). Identifiers: MedGen C5830501, MONDO:0957265, OMIM 620369.
Hypokalemic periodic paralysis, type 2 (HOKPP2). Identifiers: Orphanet 681, MedGen C2750061, MONDO:0013234, OMIM 613345.
Potassium-aggravated myotonia. Also called: Myotonia congenita, atypical, acetazolamide-responsive; MYOTONIA CONGENITA, ACETAZOLAMIDE-RESPONSIVE; MYOTONIA CONGENITA, ATYPICAL; SODIUM CHANNEL MUSCLE DISEASE. Identifiers: Orphanet 612, Orphanet 99734, Orphanet 99735, Orphanet 99736, MedGen C2931826, MONDO:0018959, OMIM 608390.
Hypokalemic periodic paralysis, type 1. Also called: Hypokalemic Periodic Paralysis Type 1 (AD); HypoPP. Identifiers: Orphanet 681, MedGen C3714580, MONDO:0042979, OMIM 170400.
SCN4A-related disorder. Also called: SCN4A-related disorders.

Allele frequency attached by ClinVar (database versions not stated): ESP Exome Variant Server 0.00054; 1000 Genomes Project 30x 0.00047; TOPMed 0.00051; 1000 Genomes Project 0.00060.
gnomAD v4.1: 171 of 1,614,044 alleles (0.011%); highest among the groups gnomAD compares: African/African-American, 0.18%; 1 homozygote.

Submissions (8):

Labcorp Genetics (formerly Invitae), Labcorp
Classification: Uncertain significance for Hyperkalemic periodic paralysis. Last evaluated: 2025-12-24. Review status: criteria provided, single submitter. Criteria: Invitae Variant Classification Sherloc (09022015). Collection method: clinical testing. Allele origin: germline.
Comment: This sequence change replaces arginine, which is basic and polar, with cysteine, which is neutral and slightly polar, at codon 1408 of the SCN4A protein (p.Arg1408Cys). This variant is present in population databases (rs118047588, gnomAD 0.2%). This variant has not been reported in the literature in individuals affected with SCN4A-related conditions. ClinVar contains an entry for this variant (Variation ID: 568015). Invitae Evidence Modeling of protein sequence and biophysical properties (such as structural, functional, and spatial information, amino acid conservation, physicochemical variation, residue mobility, and thermodynamic stability) indicates that this missense variant is expected to disrupt SCN4A protein function with a positive predictive value of 80%. In summary, the available evidence is currently insufficient to determine the role of this variant in disease. Therefore, it has been classified as a Variant of Uncertain Significance.

GeneDx
Classification: Uncertain significance. Last evaluated: 2025-08-26. Review status: criteria provided, single submitter. Criteria: GeneDx Variant Classification Process June 2021. Collection method: clinical testing. Allele origin: germline. Affected: yes.
Comment: Reported in one affected individual from a case-control study of atrioventricular nodal re-entry tachycardia; however, specific phenotype information was not provided (PMID: 32508047); In silico analysis supports that this missense variant has a deleterious effect on protein structure/function; This variant is associated with the following publications: (PMID: 32508047, 37234784)

PreventionGenetics, part of Exact Sciences
Classification: Likely benign for SCN4A-related condition. Last evaluated: 2025-07-01. Review status: criteria provided, single submitter. Criteria: ACMG Guidelines, 2015. Collection method: clinical testing. Allele origin: germline.
Comment: This variant is classified as likely benign based on ACMG/AMP sequence variant interpretation guidelines (Richards et al. 2015 PMID: 25741868, with internal and published modifications).

Blueprint Genetics
Classification: Uncertain significance. Last evaluated: 2024-10-22. Review status: criteria provided, single submitter. Criteria: ACMG Guidelines, 2015. Collection method: clinical testing. Allele origin: germline.

Revvity Omics, Revvity
Classification: Likely benign. Last evaluated: 2024-07-02. Review status: criteria provided, single submitter. Criteria: ACMG Guidelines, 2015. Collection method: clinical testing. Allele origin: germline.

Fulgent Genetics
Classification: Uncertain significance for Paramyotonia congenita of Von Eulenburg; Hyperkalemic periodic paralysis; Potassium-aggravated myotonia; Hypokalemic periodic paralysis, type 2; Congenital myasthenic syndrome 16; Congenital myopathy 22A, classic; Congenital myopathy 22B, severe fetal. Last evaluated: 2024-03-06. Review status: criteria provided, single submitter. Criteria: ACMG Guidelines, 2015. Collection method: clinical testing. Allele origin: germline.

Mayo Clinic Laboratories, Mayo Clinic
Classification: Uncertain significance. Last evaluated: 2020-12-29. Review status: criteria provided, single submitter. Criteria: ACMG Guidelines, 2015. Collection method: clinical testing. Allele origin: germline. Observed: 1 variant allele.

Fulgent Genetics
Classification: Uncertain significance for Paramyotonia congenita of Von Eulenburg; Hypokalemic periodic paralysis, type 1; Hyperkalemic periodic paralysis; Potassium-aggravated myotonia; Hypokalemic periodic paralysis, type 2; Congenital myasthenic syndrome 16. Last evaluated: 2018-10-31. Review status: criteria provided, single submitter. Criteria: ACMG Guidelines, 2015. Collection method: clinical testing. Allele origin: unknown.

NM_000334.4(SCN4A):c.4222C>T (p.Arg1408Cys)

Genes: GH-LCR (growth hormone locus control region; plus strand), SCN4A (sodium voltage-gated channel alpha subunit 4; minus strand). Cytogenetic location: 17q23.3.
Variant type: single nucleotide variant.
Coding change: c.4222C>T on transcript NM_000334.4 (MANE Select); coding-DNA position 4222, C replaced by T.
Protein change: p.Arg1408Cys; replaces arginine 1408 with cysteine.
Molecular consequence: missense variant.
Genome position (GRCh38, 1-based): chr17:63,942,892, G>A on the plus strand (C>T on the coding strand, the complement: SCN4A is on the minus strand). VCF-style: chr17-63942892-G-A. GRCh37 (hg19) VCF-style: chr17-62020252-G-A.
Other names: short protein forms R1408C.
Identifiers: ClinVar variation 568015 (VCV000568015.22), dbSNP rs118047588, ClinGen allele CA8709034.